The following is an entry in ClinVar:

NM_000245.4(MET):c.261G>T (p.Gly87=)

Gene: MET (MET proto-oncogene, receptor tyrosine kinase; plus strand). Cytogenetic location: 7q31.2.
Variant type: single nucleotide variant.
Coding change: c.261G>T on transcript NM_000245.4 (MANE Select); coding-DNA position 261, G replaced by T.
Protein change: p.Gly87=; no amino-acid change (glycine 87 retained).
Molecular consequence: synonymous variant. On other transcripts: intron variant (1).
Genome position (GRCh38, 1-based): chr7:116,699,345, G>T. VCF-style: chr7-116699345-G-T. GRCh37 (hg19) VCF-style: chr7-116339399-G-T.
Other names: c.261G>T, p.Gly87= (NM_001127500.3, NM_001324401.3); c.-91+26768G>T (NM_001324402.2).
Identifiers: ClinVar variation 1543460 (VCV001543460.11), dbSNP rs2116584241, ClinGen allele CA457448020.

ClinVar aggregate classification (germline): Benign/Likely benign. Review status: criteria provided, multiple submitters, no conflicts (2 of 4 stars). 3 submissions from 3 submitters: Benign (1); Likely benign (2). Last evaluated 2025-05-19.

Conditions:
Renal cell carcinoma. Identifiers: Orphanet 217071, MedGen C0007134, MeSH D002292, MONDO:0005086, HP:0005584.
Hereditary cancer-predisposing syndrome. Also called: Hereditary neoplastic syndrome; Tumor predisposition; Neoplastic Syndromes, Hereditary; Hereditary Cancer Syndrome. Identifiers: Orphanet 140162, MedGen C0027672, MeSH D009386, MONDO:0015356.
Papillary renal cell carcinoma type 1 (RCCP1). Also called: Renal adenocarcinoma; Renal cell carcinoma 1; Renal cell carcinoma, somatic; RENAL CELL CARCINOMA, PAPILLARY, 1, SOMATIC. Identifiers: Orphanet 47044, MedGen C1336839, OMIM 605074, HP:0011797.

gnomAD v4.1: 1 of 1,613,998 alleles (0.000062%); highest among the groups gnomAD compares: Admixed American, 0.0017%; no homozygotes.

Submissions (3):

Labcorp Genetics (formerly Invitae), Labcorp
Classification: Likely benign for Renal cell carcinoma. Last evaluated: 2025-05-19. Review status: criteria provided, single submitter. Criteria: Invitae Variant Classification Sherloc (09022015). Collection method: clinical testing. Allele origin: germline.

Myriad Genetics, Inc.
Classification: Benign for Papillary renal cell carcinoma type 1. Last evaluated: 2024-11-06. Review status: criteria provided, single submitter. Criteria: Myriad Autosomal Dominant, Autosomal Recessive and X-Linked Classification Criteria (2023). Collection method: clinical testing. Allele origin: unknown.
Comment: This variant is considered benign. This variant is a silent/synonymous amino acid change and it is not expected to impact splicing.

Ambry Genetics
Classification: Likely benign for Hereditary cancer-predisposing syndrome. Last evaluated: 2022-10-20. Review status: criteria provided, single submitter. Criteria: Ambry Variant Classification Scheme 2023. Collection method: clinical testing. Allele origin: germline.